The following is an entry in ClinVar:

ClinVar aggregate classification (germline): Uncertain significance. Review status: criteria provided, multiple submitters, no conflicts (2 of 4 stars). 2 submissions from 2 submitters: Uncertain significance (2). Last evaluated 2024-06-04.

Conditions:
Left ventricular noncompaction 8 (LVNC8). Identifiers: Orphanet 154, Orphanet 54260, MedGen C3809288, MONDO:0014152, OMIM 615373.

Allele frequency attached by ClinVar (database versions not stated): gnomAD 0.00001; gnomAD exomes 0.00001; ExAC 0.00002.
gnomAD v4.1: 32 of 1,606,992 alleles (0.002%); highest among the groups gnomAD compares: South Asian, 0.0067%; no homozygotes.

Submissions (2):

Labcorp Genetics (formerly Invitae), Labcorp
Classification: Uncertain significance for Left ventricular noncompaction 8. Last evaluated: 2024-06-04. Review status: criteria provided, single submitter. Criteria: Invitae Variant Classification Sherloc (09022015). Collection method: clinical testing. Allele origin: germline.
Comment: This sequence change replaces valine, which is neutral and non-polar, with methionine, which is neutral and non-polar, at codon 210 of the PRDM16 protein (p.Val210Met). The frequency data for this variant in the population databases is considered unreliable, as metrics indicate poor data quality at this position in the gnomAD database. This variant has not been reported in the literature in individuals affected with PRDM16-related conditions. ClinVar contains an entry for this variant (Variation ID: 1424661). Algorithms developed to predict the effect of missense changes on protein structure and function output the following: SIFT: "Not Available"; PolyPhen-2: "Benign"; Align-GVGD: "Not Available". The methionine amino acid residue is found in multiple mammalian species, which suggests that this missense change does not adversely affect protein function. In summary, the available evidence is currently insufficient to determine the role of this variant in disease. Therefore, it has been classified as a Variant of Uncertain Significance.

GeneDx
Classification: Uncertain significance. Last evaluated: 2023-01-03. Review status: criteria provided, single submitter. Criteria: GeneDx Variant Classification Process June 2021. Collection method: clinical testing. Allele origin: germline. Affected: yes.
Comment: Not observed at significant frequency in large population cohorts (gnomAD); In silico analysis supports that this missense variant does not alter protein structure/function; Has not been previously published as pathogenic or benign to our knowledge

NM_022114.4(PRDM16):c.628G>A (p.Val210Met)

Gene: PRDM16 (PR/SET domain 16; plus strand). Cytogenetic location: 1p36.32.
Variant type: single nucleotide variant.
Coding change: c.628G>A on transcript NM_022114.4 (MANE Select); coding-DNA position 628, G replaced by A.
Protein change: p.Val210Met; replaces valine 210 with methionine.
Molecular consequence: missense variant.
Genome position (GRCh38, 1-based): chr1:3,396,545, G>A. VCF-style: chr1-3396545-G-A. GRCh37 (hg19) VCF-style: chr1-3313109-G-A.
Other names: c.628G>A (NM_022114.3); c.628G>A, p.Val210Met (NM_199454.3); short protein forms V210M.
Identifiers: ClinVar variation 1424661 (VCV001424661.8), dbSNP rs760972158, ClinGen allele CA543893.